The following is an entry in ClinVar:

ClinVar aggregate classification (germline): Conflicting classifications of pathogenicity. Review status: criteria provided, conflicting classifications (1 of 4 stars). 4 submissions from 4 submitters: Uncertain significance (1); Likely benign (2). 1 of the submissions does not count toward it. Last evaluated 2026-01-11.

Conditions:
TRAPPC11-related disorder. Also called: TRAPPC11-related condition.
Autosomal recessive limb-girdle muscular dystrophy type R18 (LGMDR18). Also called: Autosomal recessive limb-girdle muscular dystrophy type 2S; Limb-girdle muscular dystrophy, type 2S; MUSCULAR DYSTROPHY, LIMB-GIRDLE, AUTOSOMAL RECESSIVE 18. Identifiers: Orphanet 369840, MedGen C4517996, MONDO:0014144, OMIM 615356.

Allele frequency attached by ClinVar (database versions not stated): ExAC 0.00001; gnomAD exomes 0.00001; TOPMed 0.00002.
gnomAD v4.1: 27 of 1,613,902 alleles (0.0017%); highest among the groups gnomAD compares: Middle Eastern, 0.017%; no homozygotes.

Submissions (4):

Labcorp Genetics (formerly Invitae), Labcorp
Classification: Likely benign for Autosomal recessive limb-girdle muscular dystrophy type R18. Last evaluated: 2026-01-11. Review status: criteria provided, single submitter. Criteria: Invitae Variant Classification Sherloc (09022015). Collection method: clinical testing. Allele origin: germline.

Blueprint Genetics
Classification: Likely benign. Last evaluated: 2024-04-16. Review status: criteria provided, single submitter. Criteria: ACMG Guidelines, 2015. Collection method: clinical testing. Allele origin: germline.

CeGaT Center for Human Genetics Tuebingen
Classification: Uncertain significance. Last evaluated: 2019-05-01. Review status: criteria provided, single submitter. Criteria: CeGaT Center For Human Genetics Tuebingen Variant Classification Criteria Version 2. Collection method: clinical testing. Allele origin: germline. Affected: yes. Observed: 1 variant allele.

PreventionGenetics, part of Exact Sciences
Classification: Likely benign for TRAPPC11-related condition. Last evaluated: 2019-02-20. Review status: no assertion criteria provided. Collection method: clinical testing. Allele origin: germline. Not counted in ClinVar's aggregate classification.
Comment: This variant is classified as likely benign based on ACMG/AMP sequence variant interpretation guidelines (Richards et al. 2015 PMID: 25741868, with internal and published modifications).

NM_021942.6(TRAPPC11):c.2817C>T (p.Thr939=)

Gene: TRAPPC11 (trafficking protein particle complex subunit 11; plus strand). Cytogenetic location: 4q35.1.
Variant type: single nucleotide variant.
Coding change: c.2817C>T on transcript NM_021942.6 (MANE Select); coding-DNA position 2817, C replaced by T.
Protein change: p.Thr939=; no amino-acid change (threonine 939 retained).
Molecular consequence: synonymous variant.
Genome position (GRCh38, 1-based): chr4:183,697,801, C>T. VCF-style: chr4-183697801-C-T. GRCh37 (hg19) VCF-style: chr4-184618954-C-T.
Other names: c.2817C>T, p.Thr939= (NM_199053.3).
Identifiers: ClinVar variation 737044 (VCV000737044.52), dbSNP rs778742385, ClinGen allele CA3152319.